The following is an entry in ClinVar:

ClinVar aggregate classification (germline): Uncertain significance (1 of 4 stars; one submission).

Conditions:
Glycine encephalopathy. Also called: Nonketotic hyperglycinemia; Non-ketotic hyperglycinemia. Identifiers: Orphanet 407, MedGen C0751748, MONDO:0011612, HP:0008288.

gnomAD v4.1: 5 of 1,612,530 alleles (0.00031%); highest among the groups gnomAD compares: African/African-American, 0.0053%; no homozygotes.

Submission:

Labcorp Genetics (formerly Invitae), Labcorp
Classification: Uncertain significance for Glycine encephalopathy. Last evaluated: 2022-06-04. Review status: criteria provided, single submitter. Criteria: Invitae Variant Classification Sherloc (09022015). Collection method: clinical testing. Allele origin: germline.
Comment: This sequence change replaces asparagine, which is neutral and polar, with aspartic acid, which is acidic and polar, at codon 709 of the GLDC protein (p.Asn709Asp). This variant is present in population databases (no rsID available, gnomAD 0.01%). This variant has not been reported in the literature in individuals affected with GLDC-related conditions. Advanced modeling of protein sequence and biophysical properties (such as structural, functional, and spatial information, amino acid conservation, physicochemical variation, residue mobility, and thermodynamic stability) performed at Invitae indicates that this missense variant is not expected to disrupt GLDC protein function. In summary, the available evidence is currently insufficient to determine the role of this variant in disease. Therefore, it has been classified as a Variant of Uncertain Significance.

NM_000170.3(GLDC):c.2125A>G (p.Asn709Asp)

Gene: GLDC (glycine decarboxylase; minus strand). Cytogenetic location: 9p24.1.
Variant type: single nucleotide variant.
Coding change: c.2125A>G on transcript NM_000170.3 (MANE Select); coding-DNA position 2125, A replaced by G.
Protein change: p.Asn709Asp; replaces asparagine 709 with aspartic acid.
Molecular consequence: missense variant.
Genome position (GRCh38, 1-based): chr9:6,556,230, T>C on the plus strand (A>G on the coding strand, the complement: GLDC is on the minus strand). VCF-style: chr9-6556230-T-C. GRCh37 (hg19) VCF-style: chr9-6556230-T-C.
Other names: short protein forms N709D.
Identifiers: ClinVar variation 2177575 (VCV002177575.1), dbSNP rs978127778, ClinGen allele CA188650959.
Genomic context (GRCh38, chr9:6,556,230, plus strand): 5'-CCCCGTCTAGGTAGACCTGTCCTCCATGTTGATGGATGAGGTCACACACGTCACTGATGT[T>C]CTCTTCAAACACCCCATTGGTGGATGGGTATGTAATCATGATAGCTGCTAGGTTCTCCTT-3'
Protein context (NP_000161.2, residues 699-719): YPSTNGVFEE[Asn709Asp]ISDVCDLIHQ